The following is an entry in ClinVar:

ClinVar aggregate classification (germline): Uncertain significance (1 of 4 stars; one submission).

Allele frequency attached by ClinVar (database versions not stated): gnomAD exomes below 0.00001; ExAC 0.00001.
gnomAD v4.1: 2 of 1,614,228 alleles (0.00012%); highest among the groups gnomAD compares: Admixed American, 0.0017%; no homozygotes.

Submission:

GeneDx
Classification: Uncertain significance. Last evaluated: 2023-02-21. Review status: criteria provided, single submitter. Criteria: GeneDx Variant Classification Process June 2021. Collection method: clinical testing. Allele origin: germline. Affected: yes.
Comment: In silico analysis supports that this variant does not alter splicing; Has not been previously published as pathogenic or benign to our knowledge

NM_000264.5(PTCH1):c.4294C>T (p.Leu1432=)

Gene: PTCH1 (patched 1; minus strand). Cytogenetic location: 9q22.32.
Variant type: single nucleotide variant.
Coding change: c.4294C>T on transcript NM_000264.5 (MANE Select); coding-DNA position 4294, C replaced by T.
Protein change: p.Leu1432=; no amino-acid change (leucine 1432 retained).
Molecular consequence: synonymous variant. On other transcripts: non-coding transcript variant (1).
Genome position (GRCh38, 1-based): chr9:95,446,962, G>A on the plus strand (C>T on the coding strand, the complement: PTCH1 is on the minus strand). VCF-style: chr9-95446962-G-A. GRCh37 (hg19) VCF-style: chr9-98209244-G-A.
Other names: c.4096C>T, p.Leu1366= (NM_001083602.3); c.4291C>T, p.Leu1431= (NM_001083603.3); c.3841C>T, p.Leu1281= (NM_001083604.3, NM_001083605.3, NM_001083606.3 and 1 more transcripts); c.4138C>T, p.Leu1380= (NM_001354918.2).
Identifiers: ClinVar variation 2576932 (VCV002576932.1), dbSNP rs763583281, ClinGen allele CA5137903.
Genomic context (GRCh38, chr9:95,446,962, plus strand): 5'-GGCACTCACCTCAGTTGGAGCTGCTTCCCCGGGGCCTCTCCTCGCATTCCACGTCCTGCA[G>A]CTCAATGACTTCCACCTTCGAATCCCTCCTCTCACACCGGACGTGGAAAGGCACGTGGGG-3'
Protein context (NP_000255.2, residues 1422-1442): RRDSKVEVIE[Leu1432=]QDVECEERPR